The following is an entry in ClinVar:

NM_000052.7(ATP7A):c.3799C>T (p.Gln1267Ter)

Gene: ATP7A (ATPase copper transporting alpha; plus strand). Cytogenetic location: Xq21.1.
Variant type: single nucleotide variant.
Coding change: c.3799C>T on transcript NM_000052.7 (MANE Select); coding-DNA position 3799, C replaced by T.
Protein change: p.Gln1267Ter; replaces glutamine 1267 with a stop codon.
Molecular consequence: nonsense. On other transcripts: non-coding transcript variant (1).
Genome position (GRCh38, 1-based): chrX:78,040,731, C>T. VCF-style: chrX-78040731-C-T. GRCh37 (hg19) VCF-style: chrX-77296229-C-T.
Other names: c.3565C>T, p.Gln1189Ter (NM_001282224.2); short protein forms Q1189*, Q1267*.
Identifiers: ClinVar variation 1735008 (VCV001735008.3), dbSNP rs2522414783, ClinGen allele CA413604990.

ClinVar aggregate classification (germline): Pathogenic. Review status: criteria provided, multiple submitters, no conflicts (2 of 4 stars). 2 submissions from 2 submitters: Pathogenic (2). Last evaluated 2024-05-08.

Conditions:
Inborn genetic diseases. Identifiers: MedGen C0950123, MeSH D030342.
Menkes kinky-hair syndrome (MNK). Also called: Classic Menkes Disease; Copper transport disease; Menkes Disease. Identifiers: Orphanet 565, MedGen C0022716, MONDO:0010651, OMIM 309400.

Submissions (2):

Myriad Genetics, Inc.
Classification: Pathogenic for Menkes kinky-hair syndrome. Last evaluated: 2024-05-08. Review status: criteria provided, single submitter. Criteria: Myriad Autosomal Dominant, Autosomal Recessive and X-Linked Classification Criteria (2023). Collection method: clinical testing. Allele origin: unknown.
Comment: NM_000052.5(ATP7A):c.3799C>T(Q1267*) is expected to be pathogenic in the context of ATP7A-related disorders. This variant is predicted to lead to an abnormal or absent protein product due to the creation of a premature termination codon in ATP7A, a gene where loss-of-function variants are known to be pathogenic. Please note: this variant was assessed in the context of healthy population screening.

Ambry Genetics
Classification: Pathogenic for Inborn genetic diseases. Last evaluated: 2017-06-14. Review status: criteria provided, single submitter. Criteria: Ambry Variant Classification Scheme 2023. Collection method: clinical testing. Allele origin: germline.
Comment: The p.Q1267* pathogenic mutation (also known as c.3799C>T), located in coding exon 18 of the ATP7A gene, results from a C to T substitution at nucleotide position 3799. This changes the amino acid from a glutamine to a stop codon within coding exon 18. This alteration is expected to result in loss of function by premature protein truncation or nonsense-mediated mRNA decay. As such, this alteration is interpreted as a disease-causing mutation.